The following is an entry in ClinVar:

NM_001135629.3(PPP1R21):c.336G>A (p.Leu112=)

Gene: PPP1R21 (protein phosphatase 1 regulatory subunit 21; plus strand). Cytogenetic location: 2p16.3.
Variant type: single nucleotide variant.
Coding change: c.336G>A on transcript NM_001135629.3 (MANE Select); coding-DNA position 336, G replaced by A.
Protein change: p.Leu112=; no amino-acid change (leucine 112 retained).
Molecular consequence: synonymous variant. On other transcripts: non-coding transcript variant (1).
Genome position (GRCh38, 1-based): chr2:48,458,188, G>A. VCF-style: chr2-48458188-G-A. GRCh37 (hg19) VCF-style: chr2-48685327-G-A.
Other names: c.336G>A, p.Leu112= (NM_001193475.2, NM_152994.5).
Identifiers: ClinVar variation 3026584 (VCV003026584.22), dbSNP rs781729994, ClinGen allele CA1650822.

ClinVar aggregate classification (germline): Likely benign (1 of 4 stars; one submission).

Allele frequency attached by ClinVar (database versions not stated): TOPMed below 0.00001; ExAC 0.00001; gnomAD 0.00001; gnomAD exomes 0.00001.
gnomAD v4.1: 5 of 1,611,960 alleles (0.00031%); highest among the groups gnomAD compares: South Asian, 0.0011%; no homozygotes.

Submission:

CeGaT Center for Human Genetics Tuebingen
Classification: Likely benign. Last evaluated: 2023-12-01. Review status: criteria provided, single submitter. Criteria: CeGaT Center For Human Genetics Tuebingen Variant Classification Criteria Version 2. Collection method: clinical testing. Allele origin: germline. Affected: yes. Observed: 1 variant allele.
Comment: PPP1R21: BP4, BP7